The following is an entry in ClinVar:

ClinVar aggregate classification (germline): Uncertain significance. Review status: criteria provided, multiple submitters, no conflicts (2 of 4 stars). 2 submissions from 2 submitters: Uncertain significance (2). Last evaluated 2024-02-05.

Conditions:
Inborn genetic diseases. Identifiers: MedGen C0950123, MeSH D030342.
MHC class II deficiency. Also called: Bare lymphocyte syndrome 2; BLS, TYPE II. Identifiers: Orphanet 572, MedGen C5447452, MONDO:0008855.

Allele frequency attached by ClinVar (database versions not stated): gnomAD 0.00001; TOPMed 0.00001; ExAC 0.00006; gnomAD exomes 0.00009.

Submissions (2):

Ambry Genetics
Classification: Uncertain significance for Inborn genetic diseases. Last evaluated: 2024-02-05. Review status: criteria provided, single submitter. Criteria: Ambry Variant Classification Scheme 2023. Collection method: clinical testing. Allele origin: germline.

Labcorp Genetics (formerly Invitae), Labcorp
Classification: Uncertain significance for MHC class II deficiency. Last evaluated: 2021-09-01. Review status: criteria provided, single submitter. Criteria: Invitae Variant Classification Sherloc (09022015). Collection method: clinical testing. Allele origin: germline.
Comment: This sequence change replaces aspartic acid with glycine at codon 55 of the CIITA protein (p.Asp55Gly). The aspartic acid residue is moderately conserved and there is a moderate physicochemical difference between aspartic acid and glycine. This variant is present in population databases (rs768736419, ExAC 0.07%). This variant has not been reported in the literature in individuals affected with CIITA-related conditions. Algorithms developed to predict the effect of missense changes on protein structure and function (SIFT, PolyPhen-2, Align-GVGD) all suggest that this variant is likely to be tolerated. In summary, the available evidence is currently insufficient to determine the role of this variant in disease. Therefore, it has been classified as a Variant of Uncertain Significance.

NM_000246.4(CIITA):c.164A>G (p.Asp55Gly)

Gene: CIITA (class II major histocompatibility complex transactivator; plus strand). Cytogenetic location: 16p13.13.
Variant type: single nucleotide variant.
Coding change: c.164A>G on transcript NM_000246.4 (MANE Select); coding-DNA position 164, A replaced by G.
Protein change: p.Asp55Gly; replaces aspartic acid 55 with glycine.
Molecular consequence: missense variant. On other transcripts: non-coding transcript variant (1).
Genome position (GRCh38, 1-based): chr16:10,895,393, A>G. VCF-style: chr16-10895393-A-G. GRCh37 (hg19) VCF-style: chr16-10989250-A-G.
Other names: c.164A>G, p.Asp55Gly (NM_001286402.1, NM_001286403.2, NM_001379330.1 and 3 more transcripts); c.92A>G, p.Asp31Gly (NM_001379334.1); short protein forms D31G, D55G.
Identifiers: ClinVar variation 2200934 (VCV002200934.2), dbSNP rs768736419, ClinGen allele CA7899586.